The following is an entry in ClinVar:

NM_001012339.3(DNAJC21):c.1493T>C (p.Phe498Ser)

Gene: DNAJC21 (DnaJ heat shock protein family (Hsp40) member C21; plus strand). Cytogenetic location: 5p13.2.
Variant type: single nucleotide variant.
Coding change: c.1493T>C on transcript NM_001012339.3 (MANE Select); coding-DNA position 1493, T replaced by C.
Protein change: p.Phe498Ser; replaces phenylalanine 498 with serine.
Molecular consequence: missense variant.
Genome position (GRCh38, 1-based): chr5:34,954,611, T>C. VCF-style: chr5-34954611-T-C. GRCh37 (hg19) VCF-style: chr5-34954716-T-C.
Other names: c.1532T>C, p.Phe511Ser (NM_001348420.2); c.1628T>C, p.Phe543Ser (NM_194283.4); short protein forms F511S, F543S, F498S.
Identifiers: ClinVar variation 1432812 (VCV001432812.4), dbSNP rs138002430, ClinGen allele CA3228876.

ClinVar aggregate classification (germline): Uncertain significance. Review status: criteria provided, multiple submitters, no conflicts (2 of 4 stars). 2 submissions from 2 submitters: Uncertain significance (2). Last evaluated 2023-11-06.

Allele frequency attached by ClinVar (database versions not stated): gnomAD 0.00002; gnomAD exomes 0.00004; ExAC 0.00005; TOPMed 0.00005; ESP Exome Variant Server 0.00008.
gnomAD v4.1: 83 of 1,613,564 alleles (0.0051%); highest among the groups gnomAD compares: Middle Eastern, 0.033%; no homozygotes.

Submissions (2):

Blueprint Genetics
Classification: Uncertain significance. Last evaluated: 2023-11-06. Review status: criteria provided, single submitter. Criteria: ACMG Guidelines, 2015. Collection method: clinical testing. Allele origin: germline.

Labcorp Genetics (formerly Invitae), Labcorp
Classification: Uncertain significance. Last evaluated: 2022-01-11. Review status: criteria provided, single submitter. Criteria: Invitae Variant Classification Sherloc (09022015). Collection method: clinical testing. Allele origin: germline.
Comment: This sequence change replaces phenylalanine, which is neutral and non-polar, with serine, which is neutral and polar, at codon 498 of the DNAJC21 protein (p.Phe498Ser). This variant is present in population databases (rs138002430, gnomAD 0.008%). This variant has not been reported in the literature in individuals affected with DNAJC21-related conditions. Algorithms developed to predict the effect of missense changes on protein structure and function are either unavailable or do not agree on the potential impact of this missense change (SIFT: "Deleterious"; PolyPhen-2: "Probably Damaging"; Align-GVGD: "Class C0"). In summary, the available evidence is currently insufficient to determine the role of this variant in disease. Therefore, it has been classified as a Variant of Uncertain Significance.